The following is an entry in ClinVar:

ClinVar aggregate classification (germline): Benign (0 of 4 stars; one submission).

Conditions:
SLC29A4-related disorder. Also called: SLC29A4-related condition.

gnomAD v4.1: 64,592 of 1,584,626 alleles (4.1%); highest among the groups gnomAD compares: Middle Eastern, 5.9%; 1,538 homozygotes.

Submission:

PreventionGenetics, part of Exact Sciences
Classification: Benign for SLC29A4-related condition. Last evaluated: 2024-04-04. Review status: no assertion criteria provided. Collection method: clinical testing. Allele origin: germline.
Comment: This variant is classified as benign based on ACMG/AMP sequence variant interpretation guidelines (Richards et al. 2015 PMID: 25741868, with internal and published modifications).

NM_153247.4(SLC29A4):c.1497C>T (p.Ser499=)

Gene: SLC29A4 (solute carrier family 29 member 4; plus strand). Cytogenetic location: 7p22.1.
Variant type: single nucleotide variant.
Coding change: c.1497C>T on transcript NM_153247.4 (MANE Select); coding-DNA position 1497, C replaced by T.
Protein change: p.Ser499=; no amino-acid change (serine 499 retained).
Molecular consequence: synonymous variant.
Genome position (GRCh38, 1-based): chr7:5,302,843, C>T. VCF-style: chr7-5302843-C-T. GRCh37 (hg19) VCF-style: chr7-5342474-C-T.
Other names: c.1497C>T, p.Ser499= (NM_001040661.3); c.1455C>T, p.Ser485= (NM_001300847.3).
Identifiers: ClinVar variation 3352574 (VCV003352574.1).